The following is an entry in ClinVar:

ClinVar aggregate classification (germline): Benign/Likely benign. Review status: criteria provided, multiple submitters, no conflicts (2 of 4 stars). 7 submissions from 7 submitters: Benign (5); Likely benign (2). Last evaluated 2026-02-01.

Conditions:
Primary ciliary dyskinesia. Also called: Ciliary dyskinesia. Identifiers: Orphanet 244, MedGen C0008780, MONDO:0016575, HP:0012265.
Primary ciliary dyskinesia 7. Also called: CILIARY DYSKINESIA, PRIMARY, 7, WITH OR WITHOUT SITUS INVERSUS. Identifiers: Orphanet 244, MedGen C2678473, MONDO:0012748, OMIM 611884.

Allele frequency attached by ClinVar (database versions not stated): gnomAD exomes 0.00118 and 0.00300; ExAC 0.00366; 1000 Genomes Project 0.01198; ESP Exome Variant Server 0.01201; gnomAD 0.01266 and 0.01380; 1000 Genomes Project 30x 0.01359; TOPMed 0.01421.
gnomAD v4.1: 3,698 of 1,605,354 alleles (0.23%); highest among the groups gnomAD compares: African/African-American, 4.5%; 72 homozygotes.

Submissions (7):

Labcorp Genetics (formerly Invitae), Labcorp
Classification: Benign for Primary ciliary dyskinesia. Last evaluated: 2026-02-01. Review status: criteria provided, single submitter. Criteria: Invitae Variant Classification Sherloc (09022015). Collection method: clinical testing. Allele origin: germline.

ARUP Laboratories, Molecular Genetics and Genomics, ARUP Laboratories
Classification: Benign for Primary ciliary dyskinesia 7. Last evaluated: 2023-09-21. Review status: criteria provided, single submitter. Criteria: ARUP Molecular Germline Variant Investigation Process 2024. Collection method: clinical testing. Allele origin: germline.

GeneDx
Classification: Likely benign. Last evaluated: 2019-05-24. Review status: criteria provided, single submitter. Criteria: GeneDx Variant Classification Process June 2021. Collection method: clinical testing. Allele origin: germline. Affected: yes.

Illumina Laboratory Services, Illumina
Classification: Benign for Primary ciliary dyskinesia 7. Last evaluated: 2018-01-12. Review status: criteria provided, single submitter. Criteria: ICSL Variant Classification Criteria 13 December 2019. Collection method: clinical testing. Allele origin: germline.
Comment: This variant was observed in the ICSL laboratory as part of a predisposition screen in an ostensibly healthy population. It had not been previously curated by ICSL or reported in the Human Gene Mutation Database (HGMD: prior to June 1st, 2018), and was therefore a candidate for classification through an automated scoring system. Utilizing variant allele frequency, disease prevalence and penetrance estimates, and inheritance mode, an automated score was calculated to assess if this variant is too frequent to cause the disease. Based on the score and internal cut-off values, a variant classified as benign is not then subjected to further curation. The score for this variant resulted in a classification of benign for this disease.

Ambry Genetics
Classification: Benign for Primary ciliary dyskinesia. Last evaluated: 2015-08-19. Review status: criteria provided, single submitter. Criteria: Ambry Variant Classification Scheme 2023. Collection method: clinical testing. Allele origin: germline.

Breakthrough Genomics
Classification: Likely benign. Review status: criteria provided, single submitter. Criteria: ACMG Guidelines, 2015. Collection method: not provided. Allele origin: germline. Inheritance: Autosomal recessive inheritance. Affected: yes.

PreventionGenetics, part of Exact Sciences
Classification: Benign. Review status: criteria provided, single submitter. Criteria: ACMG Guidelines, 2015. Collection method: clinical testing. Allele origin: germline.

NM_001277115.2(DNAH11):c.6547-5C>G

Gene: DNAH11 (dynein axonemal heavy chain 11; plus strand). Cytogenetic location: 7p15.3.
Variant type: single nucleotide variant.
Coding change: c.6547-5C>G on transcript NM_001277115.2 (MANE Select); 5 bases into the intron before coding-DNA position 6547, C replaced by G.
Molecular consequence: intron variant.
Genome position (GRCh38, 1-based): chr7:21,707,694, C>G. VCF-style: chr7-21707694-C-G. GRCh37 (hg19) VCF-style: chr7-21747312-C-G.
Identifiers: ClinVar variation 221198 (VCV000221198.23), dbSNP rs115200161, ClinGen allele CA350479.
Genomic context (GRCh38, chr7:21,707,694, plus strand): 5'-TCTTTTACTTTCCATTTGGCTTATGTTAGTATTAATTTTTTTGGCTCTTTCCTCCTTCCC[C>G]TCAGATTTTGAGAACACTGAACCGAACATATGTTAACATGAAACAGAAGCCGGTTTGGAA-3'